The following is an entry in ClinVar:

ClinVar aggregate classification (germline): Uncertain significance. Review status: criteria provided, multiple submitters, no conflicts (2 of 4 stars). 3 submissions from 3 submitters: Uncertain significance (3). Last evaluated 2026-02-17.

Conditions:
Inborn genetic diseases. Identifiers: MedGen C0950123, MeSH D030342.
Epidermolysis bullosa simplex with nail dystrophy (EBS5D). Identifiers: MedGen C4225309, MONDO:0014661, OMIM 616487.
Autosomal recessive limb-girdle muscular dystrophy type 2Q (LGMDR17). Also called: MUSCULAR DYSTROPHY, LIMB-GIRDLE, AUTOSOMAL RECESSIVE 17. Identifiers: Orphanet 254361, MedGen C3150989, MONDO:0013390, OMIM 613723.
Epidermolysis bullosa simplex 5B, with muscular dystrophy (EBS5B). Also called: EPIDERMOLYSIS BULLOSA SIMPLEX AND LIMB-GIRDLE MUSCULAR DYSTROPHY; Epidermolysis bullosa simplex with muscular dystrophy. Identifiers: Orphanet 257, MedGen C2931072, MONDO:0009181, OMIM 226670.
Epidermolysis bullosa simplex, Ogna type (EBS5A). Also called: Pidermolysis bullosa simplex 5A, Ogna type; EPIDERMOLYSIS BULLOSA SIMPLEX 5A, OGNA TYPE. Identifiers: Orphanet 79401, MedGen C0432317, MONDO:0007555, OMIM 131950.
Epidermolysis bullosa simplex 5C, with pyloric atresia (EBS5C). Also called: PLEC1-Related Epidermolysis Bullosa with Pyloric Atresia; Epidermolysis bullosa simplex with pyloric atresia; PLEC-Related Epidermolysis Bullosa with Pyloric Atresia. Identifiers: Orphanet 158684, MedGen C2677349, MONDO:0012807, OMIM 612138.

Allele frequency attached by ClinVar (database versions not stated): gnomAD 0.00001; TOPMed 0.00001.

Submissions (3):

Ambry Genetics
Classification: Uncertain significance for Inborn genetic diseases. Last evaluated: 2026-02-17. Review status: criteria provided, single submitter. Criteria: Ambry Variant Classification Scheme 2023. Collection method: clinical testing. Allele origin: germline.
Comment: The c.3932T>C (p.L1311P) alteration is located in exon 30 (coding exon 29) of the PLEC gene. This alteration results from a T to C substitution at nucleotide position 3932, causing the leucine (L) at amino acid position 1311 to be replaced by a proline (P). Based on data from gnomAD, the C allele has an overall frequency of 0.003% (1/31368) total alleles studied. The highest observed frequency was 0.007% (1/15420) of European (non-Finnish) alleles. Based on insufficient or conflicting evidence, the clinical significance of this alteration remains unclear.

Labcorp Genetics (formerly Invitae), Labcorp
Classification: Uncertain significance for Autosomal recessive limb-girdle muscular dystrophy type 2Q; Epidermolysis bullosa simplex, Ogna type; Epidermolysis bullosa simplex with nail dystrophy; Epidermolysis bullosa simplex 5C, with pyloric atresia; Epidermolysis bullosa simplex 5B, with muscular dystrophy. Last evaluated: 2025-10-02. Review status: criteria provided, single submitter. Criteria: Invitae Variant Classification Sherloc (09022015). Collection method: clinical testing. Allele origin: germline.
Comment: This sequence change replaces leucine, which is neutral and non-polar, with proline, which is neutral and non-polar, at codon 1311 of the PLEC protein (p.Leu1311Pro). This variant is present in population databases (no rsID available, gnomAD 0.007%). This variant has not been reported in the literature in individuals affected with PLEC-related conditions. ClinVar contains an entry for this variant (Variation ID: 281228). Invitae Evidence Modeling of protein sequence and biophysical properties (such as structural, functional, and spatial information, amino acid conservation, physicochemical variation, residue mobility, and thermodynamic stability) indicates that this missense variant is not expected to disrupt PLEC protein function with a negative predictive value of 80%. In summary, the available evidence is currently insufficient to determine the role of this variant in disease. Therefore, it has been classified as a Variant of Uncertain Significance.

Eurofins Ntd Llc (ga)
Classification: Uncertain significance. Last evaluated: 2015-09-08. Review status: criteria provided, single submitter. Criteria: EGL Classification Definitions 2015. Collection method: clinical testing. Allele origin: germline. Observed: 1 variant allele, 1 heterozygote.

NM_201384.3(PLEC):c.3851T>C (p.Leu1284Pro)

Gene: PLEC (plectin; minus strand). Cytogenetic location: 8q24.3.
Variant type: single nucleotide variant.
Coding change: c.3851T>C on transcript NM_201384.3 (MANE Select); coding-DNA position 3851, T replaced by C.
Protein change: p.Leu1284Pro; replaces leucine 1284 with proline.
Molecular consequence: missense variant.
Genome position (GRCh38, 1-based): chr8:143,927,071, A>G on the plus strand (T>C on the coding strand, the complement: PLEC is on the minus strand). VCF-style: chr8-143927071-A-G. GRCh37 (hg19) VCF-style: chr8-145001239-A-G.
Other names: c.3932T>C, p.Leu1311Pro (NM_000445.5); c.3809T>C, p.Leu1270Pro (NM_201378.4); c.3785T>C, p.Leu1262Pro (NM_201379.3); c.4262T>C, p.Leu1421Pro (NM_201380.4); c.3755T>C, p.Leu1252Pro (NM_201381.3); c.3851T>C, p.Leu1284Pro (NM_201382.4); c.3863T>C, p.Leu1288Pro (NM_201383.3); c.3932T>C (NM_000445.3); short protein forms L1252P, L1262P, L1311P, L1288P, L1421P, L1270P, L1284P.
Identifiers: ClinVar variation 281228 (VCV000281228.10), dbSNP rs886044774, ClinGen allele CA10603826.
Genomic context (GRCh38, chr8:143,927,071, plus strand): 5'-TTGGGCTTCTTGGCCGGGGAGGCCACCGGCTCAAGCTGCGCCTTGTACGTCACCAGCTGG[A>G]GTTCATAGTCCTGTGGCAATGCACTGCGGTCAGCCACCAGCTCTGCCCTCCGATGGCCCC-3'
Protein context (NP_958786.1, residues 1274-1294): QYINAIKDYE[Leu1284Pro]QLVTYKAQLE